The following is an entry in ClinVar:

NM_001012301.4(ARSI):c.1421G>A (p.Arg474Gln)

Gene: ARSI (arylsulfatase family member I; minus strand). Cytogenetic location: 5q32.
Variant type: single nucleotide variant.
Coding change: c.1421G>A on transcript NM_001012301.4 (MANE Select); coding-DNA position 1421, G replaced by A.
Protein change: p.Arg474Gln; replaces arginine 474 with glutamine.
Molecular consequence: missense variant.
Genome position (GRCh38, 1-based): chr5:150,297,503, C>T on the plus strand (G>A on the coding strand, the complement: ARSI is on the minus strand). VCF-style: chr5-150297503-C-T. GRCh37 (hg19) VCF-style: chr5-149677066-C-T.
Other names: short protein forms R474Q.
Identifiers: ClinVar variation 1938088 (VCV001938088.6), dbSNP rs149473787, ClinGen allele CA3510085.

ClinVar aggregate classification (germline): Uncertain significance. Review status: criteria provided, multiple submitters, no conflicts (2 of 4 stars). 2 submissions from 2 submitters: Uncertain significance (2). Last evaluated 2025-02-24.

Conditions:
Spastic paraplegia. Identifiers: MedGen C0037772, HP:0001258.

Allele frequency attached by ClinVar (database versions not stated): 1000 Genomes Project 30x 0.00031.
gnomAD v4.1: 123 of 1,613,822 alleles (0.0076%); highest among the groups gnomAD compares: Admixed American, 0.015%; no homozygotes.

Submissions (2):

Labcorp Genetics (formerly Invitae), Labcorp
Classification: Uncertain significance for Spastic paraplegia. Last evaluated: 2025-02-24. Review status: criteria provided, single submitter. Criteria: Invitae Variant Classification Sherloc (09022015). Collection method: clinical testing. Allele origin: germline.
Comment: This sequence change replaces arginine, which is basic and polar, with glutamine, which is neutral and polar, at codon 474 of the ARSI protein (p.Arg474Gln). This variant is present in population databases (rs149473787, gnomAD 0.2%), and has an allele count higher than expected for a pathogenic variant. This variant has not been reported in the literature in individuals affected with ARSI-related conditions. ClinVar contains an entry for this variant (Variation ID: 1938088). Invitae Evidence Modeling of protein sequence and biophysical properties (such as structural, functional, and spatial information, amino acid conservation, physicochemical variation, residue mobility, and thermodynamic stability) indicates that this missense variant is not expected to disrupt ARSI protein function with a negative predictive value of 80%. In summary, the available evidence is currently insufficient to determine the role of this variant in disease. Therefore, it has been classified as a Variant of Uncertain Significance.

Ambry Genetics
Classification: Uncertain significance. Last evaluated: 2021-10-21. Review status: criteria provided, single submitter. Criteria: Ambry Variant Classification Scheme 2023. Collection method: clinical testing. Allele origin: germline.